The following is an entry in ClinVar:

ClinVar aggregate classification (germline): Likely benign (1 of 4 stars; one submission).

gnomAD v4.1: 261 of 1,613,614 alleles (0.016%); highest among the groups gnomAD compares: Middle Eastern, 0.12%; 1 homozygote.

Submission:

CeGaT Center for Human Genetics Tuebingen
Classification: Likely benign. Last evaluated: 2025-01-01. Review status: criteria provided, single submitter. Criteria: CeGaT Center For Human Genetics Tuebingen Variant Classification Criteria Version 2. Collection method: clinical testing. Allele origin: germline. Affected: yes. Observed: 1 variant allele.
Comment: ZPLD1: BS2

NM_001329788.2(ZPLD1):c.1114A>C (p.Ser372Arg)

Gene: ZPLD1 (zona pellucida like domain containing 1; plus strand). Cytogenetic location: 3q12.3.
Variant type: single nucleotide variant.
Coding change: c.1114A>C on transcript NM_001329788.2 (MANE Select); coding-DNA position 1114, A replaced by C.
Protein change: p.Ser372Arg; replaces serine 372 with arginine.
Molecular consequence: missense variant.
Genome position (GRCh38, 1-based): chr3:102,477,484, A>C. VCF-style: chr3-102477484-A-C. GRCh37 (hg19) VCF-style: chr3-102196328-A-C.
Other names: c.1162A>C, p.Ser388Arg (NM_175056.2); short protein forms S372R, S388R.
Identifiers: ClinVar variation 3771068 (VCV003771068.13).